The following is an entry in ClinVar:

ClinVar aggregate classification (germline): Pathogenic (1 of 4 stars; one submission).

Conditions:
Spondylocostal dysostosis 2, autosomal recessive (SCDO2). Also called: Spondylocostal dysostosis type 2; MESP2-Related Spondylocostal Dysostosis, Autosomal Recessive. Identifiers: Orphanet 2311, MedGen C1837549, MONDO:0012097, OMIM 608681.

Submission:

Institute of Human Genetics, University of Leipzig Medical Center
Classification: Pathogenic for Spondylocostal dysostosis 2, autosomal recessive. Last evaluated: 2023-10-24. Review status: criteria provided, single submitter. Criteria: ACMG Guidelines, 2015. Collection method: clinical testing. Allele origin: unknown. Inheritance: Autosomal recessive inheritance. Affected: yes.
Comment: Criteria applied: PVS1,PM2_SUP,PM3_SUP

NM_001039958.2(MESP2):c.49del (p.Ile17fs)

Gene: MESP2 (mesoderm posterior bHLH transcription factor 2; plus strand). Cytogenetic location: 15q26.1.
Variant type: Deletion.
Coding change: c.49del on transcript NM_001039958.2 (MANE Select); coding-DNA position 49, one base deleted (A; older notation c.49delA).
Protein change: p.Ile17fs; shifts the reading frame from isoleucine 17.
Molecular consequence: frameshift variant.
Genome position (GRCh38, 1-based): chr15:89,776,406, A deleted. VCF-style (leftmost placement, unchanged base first): chr15-89776405-GA-G. GRCh37 (hg19) VCF-style: chr15-90319636-GA-G.
Other names: short protein forms I17fs.
Identifiers: ClinVar variation 2627573 (VCV002627573.2), dbSNP rs2505184605, ClinGen allele CA2582342627.
Genomic context (GRCh38, chr15:89,776,405, plus strand): 5'-CTGCAGCCCGGCCATGGCCCAGTCGCCTCCTCCGCAGAGCCTCCTCGGCCACGACCACTG[GA>G]TCTTCGCCCAGGGCTGGGGCTGGGCCGGCCACTGGGACTCCACGTCCCCGGCCTCCTCCT-3'